The following is an entry in ClinVar:

ClinVar aggregate classification (germline): Pathogenic/Likely pathogenic. Review status: criteria provided, multiple submitters, no conflicts (2 of 4 stars). 8 submissions from 8 submitters: Pathogenic (5); Likely pathogenic (2). 1 of the submissions does not count toward it. Last evaluated 2025-11-18.

Conditions:
CDH23-related disorder. Also called: CDH23-related condition; CDH23-related disorders.
Usher syndrome. Also called: Usher Syndromes; Usher's syndrome. Identifiers: Orphanet 886, MedGen CN469326, MeSH D052245, MONDO:0019501. Disease mechanism: loss of function.
Pituitary adenoma 5, multiple types. Identifiers: MedGen C4539685, MONDO:0054601, OMIM 617540.
Usher syndrome type 1 (USH1). Also called: RETINITIS PIGMENTOSA AND CONGENITAL DEAFNESS. Identifiers: Orphanet 231169, Orphanet 886, MedGen C1568247, MONDO:0010168, OMIM 276900.
Autosomal recessive nonsyndromic hearing loss 12. Also called: DEAFNESS, AUTOSOMAL RECESSIVE 12. Identifiers: Orphanet 90636, MedGen C1832394, MONDO:0011067, OMIM 601386.
Usher syndrome type 1D (USH1D). Also called: USHER SYNDROME, TYPE ID. Identifiers: Orphanet 231169, Orphanet 886, MedGen C1832845, MONDO:0010984, OMIM 601067.
Hearing loss, autosomal recessive. Also called: Rare autosomal recessive non-syndromic sensorineural deafness type DFNB; Deafness, autosomal recessive; Autosomal recessive nonsyndromic deafness; Nonsyndromic Hearing Loss, Recessive. Identifiers: Orphanet 90635, Orphanet 90636, MedGen C1846647, MONDO:0019588, OMIM 607197.

Allele frequency attached by ClinVar (database versions not stated): gnomAD 0.00001; TOPMed 0.00001; ExAC 0.00002.
gnomAD v4.1: 17 of 1,602,166 alleles (0.0011%); highest among the groups gnomAD compares: South Asian, 0.011%; no homozygotes.

Submissions (8):

Natera, Inc.
Classification: Likely pathogenic for Usher syndrome type 1. Last evaluated: 2025-11-18. Review status: criteria provided, single submitter. Criteria: Natera Variant Classification Schema (03/2026). Collection method: clinical testing. Allele origin: germline.
Comment: The c.2968G>A variant in CDH23 is a missense variant predicted to cause substitution of aspartic acid to asparagine at amino acid 990. This variant is rare in the general population with a frequency below the threshold expected for the associated phenotype(s). This variant has been observed in one or more individuals affected with the associated recessive disease, as either homozygous or compound heterozygous with a second variant (PMID: 21940737, 29148562, 30303587, 33187236). Computational prediction algorithms indicate this variant is likely to affect gene or protein function. Given the available evidence, this variant is classified as Likely Pathogenic.

Labcorp Genetics (formerly Invitae), Labcorp
Classification: Pathogenic. Last evaluated: 2025-10-20. Review status: criteria provided, single submitter. Criteria: Invitae Variant Classification Sherloc (09022015). Collection method: clinical testing. Allele origin: germline.
Comment: This sequence change replaces aspartic acid, which is acidic and polar, with asparagine, which is neutral and polar, at codon 990 of the CDH23 protein (p.Asp990Asn). The frequency data for this variant in the population databases is considered unreliable, as metrics indicate poor data quality at this position in the gnomAD database. This missense change has been observed in individuals with deafness (PMID: 21940737, 29148562, 30303587, 32485727). It has also been observed to segregate with disease in related individuals. ClinVar contains an entry for this variant (Variation ID: 861900). Invitae Evidence Modeling of protein sequence and biophysical properties (such as structural, functional, and spatial information, amino acid conservation, physicochemical variation, residue mobility, and thermodynamic stability) has been performed for this missense variant. However, the output from this modeling did not meet the statistical confidence thresholds required to predict the impact of this variant on CDH23 protein function. This variant disrupts the p.Asp990 amino acid residue in CDH23. Other variant(s) that disrupt this residue have been observed in individuals with CDH23-related conditions (PMID: 32645618), which suggests that this may be a clinically significant amino acid residue. For these reasons, this variant has been classified as Pathogenic.

Fulgent Genetics
Classification: Pathogenic for Usher syndrome type 1D; Autosomal recessive nonsyndromic hearing loss 12; Pituitary adenoma 5, multiple types. Last evaluated: 2024-03-21. Review status: criteria provided, single submitter. Criteria: ACMG Guidelines, 2015. Collection method: clinical testing. Allele origin: germline.

Baylor Genetics
Classification: Pathogenic for Pituitary adenoma 5, multiple types. Last evaluated: 2024-03-08. Review status: criteria provided, single submitter. Criteria: ACMG Guidelines, 2015. Collection method: clinical testing. Allele origin: unknown.

GeneDx
Classification: Likely pathogenic. Last evaluated: 2024-01-08. Review status: criteria provided, single submitter. Criteria: GeneDx Variant Classification Process June 2021. Collection method: clinical testing. Allele origin: germline. Affected: yes.
Comment: Not observed at significant frequency in large population cohorts (gnomAD); In silico analysis supports that this missense variant has a deleterious effect on protein structure/function; This variant is associated with the following publications: (PMID: 30531642, 21940737, 32485727, 12075507, 12522556, 30303587, 27018795, 26186295, 11090341, 29148562, 24416283)

Women's Health and Genetics/Laboratory Corporation of America, LabCorp
Classification: Pathogenic for Usher syndrome. Last evaluated: 2023-07-25. Review status: criteria provided, single submitter. Criteria: LabCorp Variant Classification Summary - May 2015. Collection method: clinical testing. Allele origin: germline.
Comment: Variant summary: CDH23 c.2968G>A (p.Asp990Asn) results in a conservative amino acid change in the encoded protein sequence. Four of five in-silico tools predict a damaging effect of the variant on protein function. The variant allele was found at a frequency of 4.4e-06 in 228518 control chromosomes, however this information is unreliable due to low quality metrics at this position as indicated by analysis filters incorporated in gnomAD. c.2968G>A has been reported in the literature in multiple homozygous and compound heterozygous individuals affected with non-syndromic hearing loss (e.g., Richard_2019, Schultz_2011, Vanniya_2018). These data indicate that the variant is very likely to be associated with disease. To our knowledge, no experimental evidence demonstrating an impact on protein function has been reported. The following publications have been ascertained in the context of this evaluation (PMID: 30303587, 21940737, 29148562). Two submitters have cited clinical-significance assessments for this variant to ClinVar after 2014. All submitters classified the variant as likely pathogenic. Based on the evidence outlined above, the variant was classified as pathogenic.

Blueprint Genetics
Classification: Pathogenic for CDH23-related disorders. Last evaluated: 2020-01-16. Review status: criteria provided, single submitter. Criteria: ACMG Guidelines, 2015. Collection method: clinical testing. Allele origin: germline. Affected: yes. Observed: 3 variant alleles.

University of Washington Center for Mendelian Genomics, University of Washington
Classification: Likely pathogenic for non-syndromic autosomal recessive hearing loss. Review status: no assertion criteria provided. Collection method: research. Allele origin: inherited. Affected: yes. Not counted in ClinVar's aggregate classification.

Literature cited by the submitters: PubMed 21940737 (cited by 3 submitters); PubMed 29148562 (cited by 3 submitters); PubMed 30303587 (cited by 4 submitters); PubMed 33187236 (cited by Natera, Inc.); PubMed 32485727 (cited by Labcorp Genetics (formerly Invitae), Labcorp); PubMed 32645618 (cited by Labcorp Genetics (formerly Invitae), Labcorp).

NM_022124.6(CDH23):c.2968G>A (p.Asp990Asn)

Gene: CDH23 (cadherin related 23; plus strand). Cytogenetic location: 10q22.1.
Variant type: single nucleotide variant.
Coding change: c.2968G>A on transcript NM_022124.6 (MANE Select); coding-DNA position 2968, G replaced by A.
Protein change: p.Asp990Asn; replaces aspartic acid 990 with asparagine.
Molecular consequence: missense variant.
Genome position (GRCh38, 1-based): chr10:71,706,911, G>A. VCF-style: chr10-71706911-G-A. GRCh37 (hg19) VCF-style: chr10-73466668-G-A.
Other names: c.2968G>A, p.Asp990Asn (NM_001171930.2, NM_001171931.2); short protein forms D990N.
Identifiers: ClinVar variation 861900 (VCV000861900.16), dbSNP rs771766431, ClinGen allele CA5544409.